The following is an entry in ClinVar:

ClinVar aggregate classification (germline): Uncertain significance (1 of 4 stars; one submission).

Allele frequency attached by ClinVar (database versions not stated): gnomAD 0.00001; TOPMed 0.00001.
gnomAD v4.1: 1 of 1,613,100 alleles (0.000062%); highest among the groups gnomAD compares: African/African-American, 0.0013%; no homozygotes.

Submission:

Labcorp Genetics (formerly Invitae), Labcorp
Classification: Uncertain significance. Last evaluated: 2021-09-02. Review status: criteria provided, single submitter. Criteria: Invitae Variant Classification Sherloc (09022015). Collection method: clinical testing. Allele origin: germline.
Comment: This sequence change replaces leucine with tryptophan at codon 393 of the TYRP1 protein (p.Leu393Trp). The leucine residue is highly conserved and there is a small physicochemical difference between leucine and tryptophan. This variant is not present in population databases (ExAC no frequency). This variant has not been reported in the literature in individuals affected with TYRP1-related conditions. Algorithms developed to predict the effect of missense changes on protein structure and function are either unavailable or do not agree on the potential impact of this missense change (SIFT: "Deleterious"; PolyPhen-2: "Probably Damaging"; Align-GVGD: "Class C0"). In summary, the available evidence is currently insufficient to determine the role of this variant in disease. Therefore, it has been classified as a Variant of Uncertain Significance.

NM_000550.3(TYRP1):c.1178T>G (p.Leu393Trp)

Genes: LURAP1L-AS1 (LURAP1L antisense RNA 1; minus strand), TYRP1 (tyrosinase related protein 1; plus strand). Cytogenetic location: 9p23.
Variant type: single nucleotide variant.
Coding change: c.1178T>G on transcript NM_000550.3 (MANE Select); coding-DNA position 1178, T replaced by G.
Protein change: p.Leu393Trp; replaces leucine 393 with tryptophan.
Molecular consequence: missense variant.
Genome position (GRCh38, 1-based): chr9:12,704,622, T>G. VCF-style: chr9-12704622-T-G. GRCh37 (hg19) VCF-style: chr9-12704622-T-G.
Other names: short protein forms L393W.
Identifiers: ClinVar variation 1488024 (VCV001488024.3), dbSNP rs1043658097, ClinGen allele CA189314098.